The following is an entry in ClinVar:

ClinVar aggregate classification (germline): Uncertain significance. Review status: criteria provided, multiple submitters, no conflicts (2 of 4 stars). 2 submissions from 2 submitters: Uncertain significance (2). Last evaluated 2025-12-15.

Allele frequency attached by ClinVar (database versions not stated): ExAC 0.00021; gnomAD 0.00025; TOPMed 0.00037; 1000 Genomes Project 0.00060; 1000 Genomes Project 30x 0.00062.
gnomAD v4.1: 363 of 1,613,888 alleles (0.022%); highest among the groups gnomAD compares: Admixed American, 0.1%; 1 homozygote.

Submissions (2):

Labcorp Genetics (formerly Invitae), Labcorp
Classification: Uncertain significance. Last evaluated: 2025-12-15. Review status: criteria provided, single submitter. Criteria: Invitae Variant Classification Sherloc (09022015). Collection method: clinical testing. Allele origin: germline.
Comment: This sequence change replaces arginine, which is basic and polar, with histidine, which is basic and polar, at codon 1000 of the TMPRSS15 protein (p.Arg1000His). This variant is present in population databases (rs192022515, gnomAD 0.1%). This variant has not been reported in the literature in individuals affected with TMPRSS15-related conditions. ClinVar contains an entry for this variant (Variation ID: 2054818). An algorithm developed to predict the effect of missense changes on protein structure and function outputs the following: PolyPhen-2: "Benign". The histidine amino acid residue is found in multiple mammalian species, which suggests that this missense change does not adversely affect protein function. In summary, the available evidence is currently insufficient to determine the role of this variant in disease. Therefore, it has been classified as a Variant of Uncertain Significance.

Ambry Genetics
Classification: Uncertain significance. Last evaluated: 2025-08-12. Review status: criteria provided, single submitter. Criteria: Ambry Variant Classification Scheme 2023. Collection method: clinical testing. Allele origin: germline.

NM_002772.3(TMPRSS15):c.2999G>A (p.Arg1000His)

Gene: TMPRSS15 (transmembrane serine protease 15; minus strand). Cytogenetic location: 21q21.1.
Variant type: single nucleotide variant.
Coding change: c.2999G>A on transcript NM_002772.3 (MANE Select); coding-DNA position 2999, G replaced by A.
Protein change: p.Arg1000His; replaces arginine 1000 with histidine.
Molecular consequence: missense variant.
Genome position (GRCh38, 1-based): chr21:18,270,030, C>T on the plus strand (G>A on the coding strand, the complement: TMPRSS15 is on the minus strand). VCF-style: chr21-18270030-C-T. GRCh37 (hg19) VCF-style: chr21-19642347-C-T.
Other names: c.2999G>A (NM_002772.2); short protein forms R1000H.
Identifiers: ClinVar variation 2054818 (VCV002054818.3), dbSNP rs192022515, ClinGen allele CA9983843.